The following is an entry in ClinVar:

ClinVar aggregate classification (germline): Uncertain significance (1 of 4 stars; one submission).

Allele frequency attached by ClinVar (database versions not stated): gnomAD exomes below 0.00001 and 0.00001; gnomAD 0.00001; TOPMed 0.00001.
gnomAD v4.1: 5 of 1,548,742 alleles (0.00032%); highest among the groups gnomAD compares: Non-Finnish European, 0.00043%; no homozygotes.

Submission:

Labcorp Genetics (formerly Invitae), Labcorp
Classification: Uncertain significance. Last evaluated: 2022-07-06. Review status: criteria provided, single submitter. Criteria: Invitae Variant Classification Sherloc (09022015). Collection method: clinical testing. Allele origin: germline.
Comment: In summary, the available evidence is currently insufficient to determine the role of this variant in disease. Therefore, it has been classified as a Variant of Uncertain Significance. Algorithms developed to predict the effect of missense changes on protein structure and function are either unavailable or do not agree on the potential impact of this missense change (SIFT: "Deleterious"; PolyPhen-2: "Benign"; Align-GVGD: "Class C55"). ClinVar contains an entry for this variant (Variation ID: 1467522). This variant has not been reported in the literature in individuals affected with PTH1R-related conditions. This sequence change replaces alanine, which is neutral and non-polar, with threonine, which is neutral and polar, at codon 274 of the PTH1R protein (p.Ala274Thr). The frequency data for this variant in the population databases is considered unreliable, as metrics indicate poor data quality at this position in the gnomAD database.

NM_000316.3(PTH1R):c.820G>A (p.Ala274Thr)

Gene: PTH1R (parathyroid hormone 1 receptor; plus strand). Cytogenetic location: 3p21.31.
Variant type: single nucleotide variant.
Coding change: c.820G>A on transcript NM_000316.3 (MANE Select); coding-DNA position 820, G replaced by A.
Protein change: p.Ala274Thr; replaces alanine 274 with threonine.
Molecular consequence: missense variant.
Genome position (GRCh38, 1-based): chr3:46,898,843, G>A. VCF-style: chr3-46898843-G-A. GRCh37 (hg19) VCF-style: chr3-46940333-G-A.
Other names: c.820G>A, p.Ala274Thr (NM_001184744.1); short protein forms A274T.
Identifiers: ClinVar variation 1467522 (VCV001467522.6), dbSNP rs1262684293, ClinGen allele CA352497551.